The following is an entry in ClinVar:

NM_001384474.1(LOXHD1):c.5665G>A (p.Val1889Ile)

Gene: LOXHD1 (lipoxygenase homology PLAT domains 1; minus strand). Cytogenetic location: 18q21.1.
Variant type: single nucleotide variant.
Coding change: c.5665G>A on transcript NM_001384474.1 (MANE Select); coding-DNA position 5665, G replaced by A.
Protein change: p.Val1889Ile; replaces valine 1889 with isoleucine.
Molecular consequence: missense variant.
Genome position (GRCh38, 1-based): chr18:46,507,565, C>T on the plus strand (G>A on the coding strand, the complement: LOXHD1 is on the minus strand). VCF-style: chr18-46507565-C-T. GRCh37 (hg19) VCF-style: chr18-44087528-C-T.
Other names: c.2332G>A, p.Val778Ile (NM_001145472.3); c.382G>A, p.Val128Ile (NM_001145473.3, NM_001173129.2); c.2044G>A, p.Val682Ile (NM_001308013.2); c.5479G>A, p.Val1827Ile (NM_144612.7); c.5479G>A (NM_144612.6); short protein forms V1889I, V128I, V682I, V1827I, V778I.
Identifiers: ClinVar variation 2143685 (VCV002143685.3), dbSNP rs374269964, ClinGen allele CA8952158.

ClinVar aggregate classification (germline): Uncertain significance. Review status: criteria provided, multiple submitters, no conflicts (2 of 4 stars). 4 submissions from 4 submitters: Uncertain significance (4). Last evaluated 2025-01-24.

Conditions:
Inborn genetic diseases. Identifiers: MedGen C0950123, MeSH D030342.
Autosomal recessive nonsyndromic hearing loss 77. Identifiers: Orphanet 90636, MedGen C2746083, MONDO:0013119, OMIM 613079.

Allele frequency attached by ClinVar (database versions not stated): gnomAD 0.00004; TOPMed 0.00006; ExAC 0.00014; ESP Exome Variant Server 0.00022.
gnomAD v4.1: 78 of 1,551,742 alleles (0.005%); highest among the groups gnomAD compares: Middle Eastern, 0.13%; no homozygotes.

Submissions (4):

Ambry Genetics
Classification: Uncertain significance for Inborn genetic diseases. Last evaluated: 2025-01-24. Review status: criteria provided, single submitter. Criteria: Ambry Variant Classification Scheme 2023. Collection method: clinical testing. Allele origin: germline.

Blueprint Genetics
Classification: Uncertain significance. Last evaluated: 2023-02-13. Review status: criteria provided, single submitter. Criteria: ACMG Guidelines, 2015. Collection method: clinical testing. Allele origin: germline.

Labcorp Genetics (formerly Invitae), Labcorp
Classification: Uncertain significance. Last evaluated: 2022-09-19. Review status: criteria provided, single submitter. Criteria: Invitae Variant Classification Sherloc (09022015). Collection method: clinical testing. Allele origin: germline.
Comment: This sequence change replaces valine, which is neutral and non-polar, with isoleucine, which is neutral and non-polar, at codon 1827 of the LOXHD1 protein (p.Val1827Ile). This variant is present in population databases (rs374269964, gnomAD 0.01%). This variant has not been reported in the literature in individuals affected with LOXHD1-related conditions. Algorithms developed to predict the effect of missense changes on protein structure and function (SIFT, PolyPhen-2, Align-GVGD) all suggest that this variant is likely to be tolerated. In summary, the available evidence is currently insufficient to determine the role of this variant in disease. Therefore, it has been classified as a Variant of Uncertain Significance.

Department of Pathology and Laboratory Medicine, Sinai Health System
Classification: Uncertain significance for Autosomal recessive nonsyndromic hearing loss 77. Last evaluated: 2022-07-04. Review status: criteria provided, single submitter. Criteria: ACMG Guidelines, 2015. Collection method: research. Allele origin: germline.